The following is an entry in ClinVar:

ClinVar aggregate classification (germline): Uncertain significance (1 of 4 stars; one submission).

Submission:

Ambry Genetics
Classification: Uncertain significance. Last evaluated: 2026-04-28. Review status: criteria provided, single submitter. Criteria: Ambry Variant Classification Scheme 2023. Collection method: clinical testing. Allele origin: germline.
Comment: The p.A167P variant (also known as c.499G>C), located in coding exon 1 of the MC1R gene, results from a G to C substitution at nucleotide position 499. The alanine at codon 167 is replaced by proline, an amino acid with highly similar properties. This amino acid position is conserved. In addition, this alteration is predicted to be tolerated by in silico analysis. Based on the available evidence, the clinical significance of this variant remains unclear.

NM_002386.4(MC1R):c.499G>C (p.Ala167Pro)

Gene: MC1R (melanocortin 1 receptor; plus strand). Cytogenetic location: 16q24.3.
Variant type: single nucleotide variant.
Coding change: c.499G>C on transcript NM_002386.4 (MANE Select); coding-DNA position 499, G replaced by C.
Protein change: p.Ala167Pro; replaces alanine 167 with proline.
Molecular consequence: missense variant.
Genome position (GRCh38, 1-based): chr16:89,919,757, G>C. VCF-style: chr16-89919757-G-C. GRCh37 (hg19) VCF-style: chr16-89986165-G-C.
Other names: short protein forms A167P.
Identifiers: ClinVar variation 4859664 (VCV004859664.1).